The following is an entry in ClinVar:

NM_006206.6(PDGFRA):c.1448C>G (p.Thr483Ser)

Gene: PDGFRA (platelet derived growth factor receptor alpha; plus strand). Cytogenetic location: 4q12.
Variant type: single nucleotide variant.
Coding change: c.1448C>G on transcript NM_006206.6 (MANE Select); coding-DNA position 1448, C replaced by G.
Protein change: p.Thr483Ser; replaces threonine 483 with serine.
Molecular consequence: missense variant.
Genome position (GRCh38, 1-based): chr4:54,273,620, C>G. VCF-style: chr4-54273620-C-G. GRCh37 (hg19) VCF-style: chr4-55139787-C-G.
Other names: c.1448C>G, p.Thr483Ser (NM_001347827.2, NM_001347829.2); c.1523C>G, p.Thr508Ser (NM_001347828.2); c.1487C>G, p.Thr496Ser (NM_001347830.2); short protein forms T508S, T483S, T496S.
Identifiers: ClinVar variation 2453868 (VCV002453868.2), dbSNP rs2110292164, ClinGen allele CA356892590.
Genomic context (GRCh38, chr4:54,273,620, plus strand): 5'-CTATTTTGGCCAACAATGTCTCAAACATCATCACGGAGATCCACTCCCGAGACAGGAGTA[C>G]CGTGGAGGGCCGTGTGACTTTCGCCAAAGTGGAGGAGACCATCGCCGTGCGATGCCTGGC-3'
Protein context (NP_006197.1, residues 473-493): ITEIHSRDRS[Thr483Ser]VEGRVTFAKV

ClinVar aggregate classification (germline): Uncertain significance (1 of 4 stars; one submission).

Conditions:
Hereditary cancer-predisposing syndrome. Also called: Neoplastic Syndromes, Hereditary; Hereditary neoplastic syndrome; Tumor predisposition; Hereditary Cancer Syndrome. Identifiers: Orphanet 140162, MedGen C0027672, MeSH D009386, MONDO:0015356.

Submission:

Ambry Genetics
Classification: Uncertain significance for Hereditary cancer-predisposing syndrome. Last evaluated: 2023-02-16. Review status: criteria provided, single submitter. Criteria: Ambry Variant Classification Scheme 2023. Collection method: clinical testing. Allele origin: germline.
Comment: The p.T483S variant (also known as c.1448C>G), located in coding exon 9 of the PDGFRA gene, results from a C to G substitution at nucleotide position 1448. The threonine at codon 483 is replaced by serine, an amino acid with similar properties. This amino acid position is conserved. In addition, this alteration is predicted to be tolerated by in silico analysis. Since supporting evidence is limited at this time, the clinical significance of this alteration remains unclear.